The following is an entry in ClinVar:

NM_001164508.2(NEB):c.23054G>A (p.Gly7685Glu)

Genes: RIF1 (replication timing regulatory factor 1; plus strand), NEB (nebulin; minus strand). Cytogenetic location: 2q23.3.
Variant type: single nucleotide variant.
Coding change: c.23054G>A on transcript NM_001164508.2 (MANE Select); coding-DNA position 23054, G replaced by A.
Protein change: p.Gly7685Glu; replaces glycine 7685 with glutamic acid.
Molecular consequence: missense variant.
Genome position (GRCh38, 1-based): chr2:151,514,391, C>T on the plus strand (G>A on the coding strand, the complement: NEB is on the minus strand). VCF-style: chr2-151514391-C-T. GRCh37 (hg19) VCF-style: chr2-152370905-C-T.
Other names: p.Gly7720Glu; c.23054G>A, p.Gly7685Glu (NM_001164507.2); c.23159G>A, p.Gly7720Glu (NM_001271208.2); c.17951G>A, p.Gly5984Glu (NM_004543.5); c.17951G>A (NM_004543.4); short protein forms G7685E, G5984E, G7720E.
Identifiers: ClinVar variation 934181 (VCV000934181.12), dbSNP rs768880396, ClinGen allele CA1906460.

ClinVar aggregate classification (germline): Conflicting classifications of pathogenicity. Review status: criteria provided, conflicting classifications (1 of 4 stars). 4 submissions from 4 submitters: Uncertain significance (2); Likely benign (1). 1 of the submissions does not count toward it. Last evaluated 2026-07-19.

Conditions:
Inborn genetic diseases. Identifiers: MedGen C0950123, MeSH D030342.
Nemaline myopathy 2 (NEM2). Also called: Nemaline myopathy 2, autosomal recessive. Identifiers: MedGen C1850569, MONDO:0009725, OMIM 256030.

Allele frequency attached by ClinVar (database versions not stated): gnomAD exomes 0.00001 and 0.00002; ExAC 0.00001; gnomAD 0.00001; TOPMed 0.00009.
gnomAD v4.1: 13 of 1,613,552 alleles (0.00081%); highest among the groups gnomAD compares: Admixed American, 0.013%; no homozygotes.

Submissions (4):

Ambry Genetics
Classification: Uncertain significance for Inborn genetic diseases. Last evaluated: 2026-07-19. Review status: criteria provided, single submitter. Criteria: Ambry Variant Classification Scheme 2023. Collection method: clinical testing. Allele origin: germline.

Labcorp Genetics (formerly Invitae), Labcorp
Classification: Likely benign for Nemaline myopathy 2. Last evaluated: 2025-11-24. Review status: criteria provided, single submitter. Criteria: Invitae Variant Classification Sherloc (09022015). Collection method: clinical testing. Allele origin: germline.

Mayo Clinic Laboratories, Mayo Clinic
Classification: Uncertain significance. Last evaluated: 2025-03-18. Review status: criteria provided, single submitter. Criteria: ACMG Guidelines, 2015. Collection method: clinical testing. Allele origin: germline. Observed: 1 variant allele.
Comment: PM2_supporting

Natera, Inc.
Classification: Uncertain significance for Nemaline myopathy type 2. Last evaluated: 2020-02-21. Review status: no assertion criteria provided. Collection method: clinical testing. Allele origin: germline. Not counted in ClinVar's aggregate classification.